The following is an entry in ClinVar:

ClinVar aggregate classification (germline): Pathogenic (1 of 4 stars; one submission).

Conditions:
Achromatopsia 3 (ACHM3). Also called: ACHROMATOPSIA WITH MYOPIA; PINGELAPESE BLINDNESS; TOTAL COLORBLINDNESS WITH MYOPIA; ROD MONOCHROMACY 1; ROD MONOCHROMATISM 1. Identifiers: Orphanet 49382, MedGen C1849792, MONDO:0009875, OMIM 262300.

Submission:

Myriad Genetics, Inc.
Classification: Pathogenic for Achromatopsia 3. Last evaluated: 2024-09-25. Review status: criteria provided, single submitter. Criteria: Myriad Autosomal Dominant, Autosomal Recessive and X-Linked Classification Criteria (2023). Collection method: clinical testing. Allele origin: unknown.
Comment: NM_019098.4(CNGB3):c.1846delC(L616Ffs*2) is expected to be pathogenic in the context of achromatopsia, CNGB3-related. This variant is predicted to lead to an abnormal or absent protein product due to the creation of a premature termination codon in CNGB3, a gene where loss-of-function variants are known to be pathogenic. Please note: this variant was assessed in the context of healthy population screening.

NM_019098.5(CNGB3):c.1846del (p.Leu616fs)

Gene: CNGB3 (cyclic nucleotide gated channel subunit beta 3; minus strand). Cytogenetic location: 8q21.3.
Variant type: Deletion.
Coding change: c.1846del on transcript NM_019098.5 (MANE Select); coding-DNA position 1846, one base deleted (C; older notation c.1846delC).
Protein change: p.Leu616fs; shifts the reading frame from leucine 616.
Molecular consequence: frameshift variant.
Genome position (GRCh38, 1-based): chr8:86,579,188, G deleted on the plus strand (C on the coding strand, the reverse complement: CNGB3 is on the minus strand). VCF-style (leftmost placement, unchanged base first): chr8-86579187-AG-A. GRCh37 (hg19) VCF-style: chr8-87591415-AG-A.
Other names: short protein forms L616fs.
Identifiers: ClinVar variation 5013578 (VCV005013578.1).